The following is an entry in ClinVar:

ClinVar aggregate classification (germline): Pathogenic/Likely pathogenic. Review status: criteria provided, multiple submitters, no conflicts (2 of 4 stars). 3 submissions from 3 submitters: Pathogenic (1); Likely pathogenic (1). 1 of the submissions does not count toward it. Last evaluated 2024-08-23.

Conditions:
Dyskeratosis congenita, autosomal recessive 5 (DKCB5). Identifiers: MedGen C3554656, MONDO:0014076, OMIM 615190.
Pulmonary fibrosis and/or bone marrow failure, Telomere-related, 3. Also called: PULMONARY FIBROSIS AND/OR BONE MARROW FAILURE SYNDROME, TELOMERE-RELATED, 3. Identifiers: Orphanet 2032, MedGen C4225346, MONDO:0014613, OMIM 616373.
Interstitial lung disease 2 (ILD2). Also called: Familial idiopathic pulmonary fibrosis; FIBROCYSTIC PULMONARY DYSPLASIA; FIBROSING ALVEOLITIS, CRYPTOGENIC. Identifiers: Orphanet 2032, Orphanet 79126, MedGen C5561926, MONDO:0800497, OMIM 178500, MONDO:0800029.

gnomAD v4.1: 1 of 1,553,546 alleles (0.000064%); highest among the groups gnomAD compares: Non-Finnish European, 0.000087%; no homozygotes.

Submissions (3):

GeneDx
Classification: Pathogenic. Last evaluated: 2024-08-23. Review status: criteria provided, single submitter. Criteria: GeneDx Variant Classification Process June 2021. Collection method: clinical testing. Allele origin: germline. Affected: yes.
Comment: Nonsense variant predicted to result in protein truncation or nonsense mediated decay in a gene for which loss of function is a known mechanism of disease; Not observed at significant frequency in large population cohorts (gnomAD); This variant is associated with the following publications: (PMID: 29920840)

Fulgent Genetics
Classification: Likely pathogenic for Dyskeratosis congenita, autosomal recessive 5; Pulmonary fibrosis and/or bone marrow failure, Telomere-related, 3. Last evaluated: 2024-05-11. Review status: criteria provided, single submitter. Criteria: ACMG Guidelines, 2015. Collection method: clinical testing. Allele origin: germline.

Department of Respiratory and Critical Care Medicine, Tongji Hospital, Tongji Medical College, Huazhong University of Science and Technology
Classification: Likely pathogenic for Interstitial lung disease 2. Last evaluated: 2018-05-06. Review status: no assertion criteria provided. Collection method: case-control. Allele origin: germline. Affected: yes. Not counted in ClinVar's aggregate classification.

NM_001283009.2(RTEL1):c.3559C>T (p.Gln1187Ter)

Genes: RTEL1-TNFRSF6B (RTEL1-TNFRSF6B readthrough (NMD candidate); plus strand), RTEL1 (regulator of telomere elongation helicase 1; plus strand). Cytogenetic location: 20q13.33.
Variant type: single nucleotide variant.
Coding change: c.3559C>T on transcript NM_001283009.2 (MANE Select); coding-DNA position 3559, C replaced by T.
Protein change: p.Gln1187Ter; replaces glutamine 1187 with a stop codon.
Molecular consequence: nonsense. On other transcripts: non-coding transcript variant (1).
Genome position (GRCh38, 1-based): chr20:63,695,387, C>T. VCF-style: chr20-63695387-C-T. GRCh37 (hg19) VCF-style: chr20-62326740-C-T.
Other names: c.2890C>T, p.Gln964Ter (NM_001283010.1); c.3559C>T, p.Gln1187Ter (NM_016434.4); c.3631C>T, p.Gln1211Ter (NM_032957.5); short protein forms Q1187*, Q1211*, Q964*.
Identifiers: ClinVar variation 559538 (VCV000559538.3), dbSNP rs776525427, ClinGen allele CA409685710.